The following is an entry in ClinVar:

ClinVar aggregate classification (germline): Uncertain significance (1 of 4 stars; one submission).

Submission:

Labcorp Genetics (formerly Invitae), Labcorp
Classification: Uncertain significance. Last evaluated: 2024-03-04. Review status: criteria provided, single submitter. Criteria: Invitae Variant Classification Sherloc (09022015). Collection method: clinical testing. Allele origin: germline.
Comment: This sequence change replaces phenylalanine with leucine at codon 621 of the COL18A1 protein (p.Phe621Leu). There is a small physicochemical difference between phenylalanine and leucine. This variant is not present in population databases (gnomAD no frequency). This variant has not been reported in the literature in individuals affected with COL18A1-related conditions. ClinVar contains an entry for this variant (Variation ID: 1491418). Experimental studies and prediction algorithms are not available or were not evaluated, and the functional significance of this variant is currently unknown. In summary, the available evidence is currently insufficient to determine the role of this variant in disease. Therefore, it has been classified as a Variant of Uncertain Significance.

NM_001379500.1(COL18A1):c.1861T>C (p.Phe621Leu)

Gene: COL18A1 (collagen type XVIII alpha 1 chain; plus strand). Cytogenetic location: 21q22.3.
Variant type: single nucleotide variant.
Coding change: c.1861T>C on transcript NM_001379500.1 (MANE Select); coding-DNA position 1861, T replaced by C.
Protein change: p.Phe621Leu; replaces phenylalanine 621 with leucine.
Molecular consequence: missense variant.
Genome position (GRCh38, 1-based): chr21:45,487,474, T>C. VCF-style: chr21-45487474-T-C. GRCh37 (hg19) VCF-style: chr21-46907388-T-C.
Other names: c.2401T>C, p.Phe801Leu (NM_030582.4); c.3106T>C, p.Phe1036Leu (NM_130444.3); short protein forms F801L, F1036L, F621L.
Identifiers: ClinVar variation 1491418 (VCV001491418.6), dbSNP rs2145967303, ClinGen allele CA410496469.